The following is an entry in ClinVar:

ClinVar aggregate classification (germline): Uncertain significance (1 of 4 stars; one submission).

Allele frequency attached by ClinVar (database versions not stated): gnomAD exomes 0.00001 and 0.00002; ESP Exome Variant Server 0.00015; ExAC 0.00001; gnomAD 0.00001; TOPMed 0.00002.
gnomAD v4.1: 27 of 1,613,944 alleles (0.0017%); highest among the groups gnomAD compares: African/African-American, 0.0027%; no homozygotes.

Submission:

Labcorp Genetics (formerly Invitae), Labcorp
Classification: Uncertain significance. Last evaluated: 2025-08-20. Review status: criteria provided, single submitter. Criteria: Invitae Variant Classification Sherloc (09022015). Collection method: clinical testing. Allele origin: germline.
Comment: This sequence change replaces alanine, which is neutral and non-polar, with valine, which is neutral and non-polar, at codon 2135 of the CAD protein (p.Ala2135Val). This variant is present in population databases (rs147932160, gnomAD 0.002%). This variant has not been reported in the literature in individuals affected with CAD-related conditions. ClinVar contains an entry for this variant (Variation ID: 1383921). An algorithm developed to predict the effect of missense changes on protein structure and function (PolyPhen-2) suggests that this variant is likely to be tolerated. In summary, the available evidence is currently insufficient to determine the role of this variant in disease. Therefore, it has been classified as a Variant of Uncertain Significance.

NM_004341.5(CAD):c.6404C>T (p.Ala2135Val)

Genes: CAD (carbamoyl-phosphate synthetase 2, aspartate transcarbamylase, and dihydroorotase; plus strand), LOC126806172 (CDK7 strongly-dependent group 2 enhancer GRCh37_chr2:27465505-27466704; plus strand). Cytogenetic location: 2p23.3.
Variant type: single nucleotide variant.
Coding change: c.6404C>T on transcript NM_004341.5 (MANE Select); coding-DNA position 6404, C replaced by T.
Protein change: p.Ala2135Val; replaces alanine 2135 with valine.
Molecular consequence: missense variant.
Genome position (GRCh38, 1-based): chr2:27,242,897, C>T. VCF-style: chr2-27242897-C-T. GRCh37 (hg19) VCF-style: chr2-27465765-C-T.
Other names: c.6215C>T, p.Ala2072Val (NM_001306079.2); short protein forms A2072V, A2135V.
Identifiers: ClinVar variation 1383921 (VCV001383921.4), dbSNP rs147932160, ClinGen allele CA1574205.
Genomic context (GRCh38, chr2:27,242,897, plus strand): 5'-GCGCTGCATCCACCATGGCTCTCCTCACCCTCCAGGAGGAATTCGAGAGCATTGAGGAGG[C>T]GCTGCCTGACACTGATGTGCTCTACATGACTCGAATCCAGAAGGAACGATTTGGCTCTAC-3'
Protein context (NP_004332.2, residues 2125-2145): KQEEFESIEE[Ala2135Val]LPDTDVLYMT